The following is an entry in ClinVar:

ClinVar aggregate classification (germline): Uncertain significance (1 of 4 stars; one submission).

Allele frequency attached by ClinVar (database versions not stated): ExAC 0.00029; 1000 Genomes Project 30x 0.00047; 1000 Genomes Project 0.00060; ESP Exome Variant Server 0.00069; gnomAD 0.00080; TOPMed 0.00088.
gnomAD v4.1: 252 of 1,613,812 alleles (0.016%); highest among the groups gnomAD compares: African/African-American, 0.28%; no homozygotes.

Submission:

GeneDx
Classification: Uncertain significance. Last evaluated: 2023-11-12. Review status: criteria provided, single submitter. Criteria: GeneDx Variant Classification Process June 2021. Collection method: clinical testing. Allele origin: germline. Affected: yes.
Comment: In silico analysis supports that this missense variant has a deleterious effect on protein structure/function; Has not been previously published as pathogenic or benign to our knowledge

NM_005482.3(PIGK):c.38T>C (p.Val13Ala)

Gene: PIGK (phosphatidylinositol glycan anchor biosynthesis class K; minus strand). Cytogenetic location: 1p31.1.
Variant type: single nucleotide variant.
Coding change: c.38T>C on transcript NM_005482.3 (MANE Select); coding-DNA position 38, T replaced by C.
Protein change: p.Val13Ala; replaces valine 13 with alanine.
Molecular consequence: missense variant.
Genome position (GRCh38, 1-based): chr1:77,219,365, A>G on the plus strand (T>C on the coding strand, the complement: PIGK is on the minus strand). VCF-style: chr1-77219365-A-G. GRCh37 (hg19) VCF-style: chr1-77685050-A-G.
Other names: short protein forms V13A.
Identifiers: ClinVar variation 2662461 (VCV002662461.1), dbSNP rs138493120, ClinGen allele CA916080.